The following is an entry in ClinVar:

NM_001385.3(DPYS):c.166G>A (p.Gly56Ser)

Gene: DPYS (dihydropyrimidinase; minus strand). Cytogenetic location: 8q22.3.
Variant type: single nucleotide variant.
Coding change: c.166G>A on transcript NM_001385.3 (MANE Select); coding-DNA position 166, G replaced by A.
Protein change: p.Gly56Ser; replaces glycine 56 with serine.
Molecular consequence: missense variant.
Genome position (GRCh38, 1-based): chr8:104,466,755, C>T on the plus strand (G>A on the coding strand, the complement: DPYS is on the minus strand). VCF-style: chr8-104466755-C-T. GRCh37 (hg19) VCF-style: chr8-105478983-C-T.
Other names: short protein forms G56S.
Identifiers: ClinVar variation 1896760 (VCV001896760.5), dbSNP rs1373451792, ClinGen allele CA371939238.

ClinVar aggregate classification (germline): Uncertain significance (1 of 4 stars; one submission).

Allele frequency attached by ClinVar (database versions not stated): gnomAD exomes below 0.00001; gnomAD 0.00001; TOPMed 0.00002.
gnomAD v4.1: 8 of 1,535,006 alleles (0.00052%); highest among the groups gnomAD compares: Admixed American, 0.0098%; no homozygotes.

Submission:

Labcorp Genetics (formerly Invitae), Labcorp
Classification: Uncertain significance. Last evaluated: 2022-04-10. Review status: criteria provided, single submitter. Criteria: Invitae Variant Classification Sherloc (09022015). Collection method: clinical testing. Allele origin: germline.
Comment: This sequence change replaces glycine, which is neutral and non-polar, with serine, which is neutral and polar, at codon 56 of the DPYS protein (p.Gly56Ser). The frequency data for this variant in the population databases is considered unreliable, as metrics indicate poor data quality at this position in the gnomAD database. This variant has not been reported in the literature in individuals affected with DPYS-related conditions. Algorithms developed to predict the effect of missense changes on protein structure and function (SIFT, PolyPhen-2, Align-GVGD) all suggest that this variant is likely to be tolerated. In summary, the available evidence is currently insufficient to determine the role of this variant in disease. Therefore, it has been classified as a Variant of Uncertain Significance.